The following is an entry in ClinVar:

ClinVar aggregate classification (germline): Likely benign. Review status: reviewed by expert panel (3 of 4 stars). 4 submissions from 4 submitters: Likely benign (1). 3 of the submissions do not count toward it. Last evaluated 2017-06-29.

Conditions:
Hereditary cancer-predisposing syndrome. Also called: Neoplastic Syndromes, Hereditary; Hereditary neoplastic syndrome; Tumor predisposition; Hereditary Cancer Syndrome. Identifiers: Orphanet 140162, MedGen C0027672, MeSH D009386, MONDO:0015356.
Hereditary breast ovarian cancer syndrome. Also called: Hereditary breast and ovarian cancer syndrome (HBOC); BRCA1- and BRCA2-Associated Hereditary Breast and Ovarian Cancer; Hereditary breast and/or ovarian cancer syndrome; Hereditary breast and ovarian cancer syndrome; Hereditary breast and ovarian cancer; Breast and ovarian cancer. Identifiers: Orphanet 145, MedGen C0677776, MeSH D061325, MONDO:0003582. Disease mechanism: loss of function.
Breast-ovarian cancer, familial, susceptibility to, 1 (BROVCA1). Also called: BRCA1 Hereditary Breast and Ovarian Cancer; OVARIAN CANCER, SUSCEPTIBILITY TO. Identifiers: Orphanet 145, MedGen C2676676, MONDO:0011450, OMIM 604370. Disease mechanism: loss of function.

Submissions (4):

Evidence-based Network for the Interpretation of Germline Mutant Alleles (ENIGMA)
Classification: Likely benign for Breast-ovarian cancer, familial, susceptibility to, 1. Last evaluated: 2017-06-29. Review status: reviewed by expert panel. Criteria: ENIGMA BRCA1/2 Classification Criteria (2017-06-29). Collection method: curation. Allele origin: germline.
Comment: Synonymous substitution variant, with low bioinformatic likelihood to result in a splicing aberration (Splicing prior probability 0.02).

Ambry Genetics
Classification: Likely benign for Hereditary cancer-predisposing syndrome. Last evaluated: 2025-04-11. Review status: criteria provided, single submitter. Criteria: Ambry Variant Classification Scheme 2023. Collection method: clinical testing. Allele origin: germline. Not counted in ClinVar's aggregate classification.

Labcorp Genetics (formerly Invitae), Labcorp
Classification: Likely benign for Hereditary breast ovarian cancer syndrome. Last evaluated: 2023-09-06. Review status: criteria provided, single submitter. Criteria: Invitae Variant Classification Sherloc (09022015). Collection method: clinical testing. Allele origin: germline. Not counted in ClinVar's aggregate classification.

Color Diagnostics, LLC DBA Color Health
Classification: Likely benign for Hereditary cancer-predisposing syndrome. Last evaluated: 2017-01-09. Review status: criteria provided, single submitter. Criteria: ACMG Guidelines, 2015. Collection method: clinical testing. Allele origin: germline. Not counted in ClinVar's aggregate classification.

NM_007294.4(BRCA1):c.4002T>C (p.Gly1334=)

Genes: BRCA1 (BRCA1 DNA repair associated; minus strand), LOC126862571 (BRD4-independent group 4 enhancer GRCh37_chr17:41243136-41244335; plus strand). Cytogenetic location: 17q21.31.
Variant type: single nucleotide variant.
Coding change: c.4002T>C on transcript NM_007294.4 (MANE Select); coding-DNA position 4002, T replaced by C.
Protein change: p.Gly1334=; no amino-acid change (glycine 1334 retained).
Molecular consequence: synonymous variant. On other transcripts: intron variant (135).
Genome position (GRCh38, 1-based): chr17:43,091,529, A>G on the plus strand (T>C on the coding strand, the complement: BRCA1 is on the minus strand). VCF-style: chr17-43091529-A-G. GRCh37 (hg19) VCF-style: chr17-41243546-A-G.
Other names: c.3789T>C, p.Gly1263= (NM_001407571.1, NM_001407853.1, NM_001407894.1 and 9 more transcripts); c.4002T>C, p.Gly1334= (NM_001407581.1, NM_001407582.1, NM_001407583.1 and 30 more transcripts); c.3999T>C, p.Gly1333= (NM_001407587.1, NM_001407590.1, NM_001407591.1 and 22 more transcripts); c.3993T>C, p.Gly1331= (NM_001407646.1, NM_001407647.1); c.3879T>C, p.Gly1293= (NM_001407648.1, NM_001407664.1, NM_001407665.1 and 19 more transcripts); c.3876T>C, p.Gly1292= (NM_001407649.1, NM_001407670.1, NM_001407671.1 and 11 more transcripts); c.3924T>C, p.Gly1308= (NM_001407653.1, NM_001407654.1, NM_001407655.1 and 4 more transcripts); c.3921T>C, p.Gly1307= (NM_001407659.1, NM_001407660.1, NM_001407661.1 and 1 more transcripts); and 41 more.
Identifiers: ClinVar variation 427272 (VCV000427272.12), dbSNP rs1131692083, ClinGen allele CA500232012.